The following is an entry in ClinVar:

ClinVar aggregate classification (germline): Likely pathogenic. Review status: criteria provided, single submitter (1 of 4 stars). 2 submissions from 2 submitters: Likely pathogenic (1). 1 of the submissions does not count toward it. Last evaluated 2016-11-01.

Conditions:
Kabuki syndrome 1 (KABUK1). Also called: KMT2D-Related Kabuki Syndrome. Identifiers: Orphanet 2322, MedGen CN030661, MONDO:0007843, OMIM 147920.

Submissions (2):

Center for Human Genetics, Inc
Classification: Likely pathogenic for Kabuki syndrome 1. Last evaluated: 2016-11-01. Review status: criteria provided, single submitter. Criteria: ACMG Guidelines, 2015. Collection method: clinical testing. Allele origin: germline. Affected: yes.

Richard Lifton Laboratory, Yale University School of Medicine
No classification provided. Review status: no classification provided. Collection method: not provided. Allele origin: germline. Not counted in ClinVar's aggregate classification.
Comment: MLL2
ClinVar note: Converted during submission from untested to not provided.

NM_003482.4(KMT2D):c.5166del (p.Ser1722fs)

Gene: KMT2D (lysine methyltransferase 2D; minus strand). Cytogenetic location: 12q13.12.
Variant type: Deletion.
Coding change: c.5166del on transcript NM_003482.4 (MANE Select); coding-DNA position 5166, one base deleted (T; older notation c.5166delT).
Protein change: p.Ser1722fs; shifts the reading frame from serine 1722.
Molecular consequence: frameshift variant.
Genome position (GRCh38, 1-based): chr12:49,044,222, A deleted on the plus strand (T on the coding strand, the reverse complement: KMT2D is on the minus strand). VCF-style (leftmost placement, unchanged base first): chr12-49044221-CA-C. GRCh37 (hg19) VCF-style: chr12-49438004-CA-C.
Other names: c.5166delT (NM_003482.3); short protein forms S1722fs.
Identifiers: ClinVar variation 135631 (VCV000135631.2), dbSNP rs367537992, ClinGen allele CA232415.